The following is an entry in ClinVar:

NM_004082.5(DCTN1):c.400C>G (p.Leu134Val)

Gene: DCTN1 (dynactin subunit 1; minus strand). Cytogenetic location: 2p13.1.
Variant type: single nucleotide variant.
Coding change: c.400C>G on transcript NM_004082.5 (MANE Select); coding-DNA position 400, C replaced by G.
Protein change: p.Leu134Val; replaces leucine 134 with valine.
Molecular consequence: missense variant. On other transcripts: intron variant (3).
Genome position (GRCh38, 1-based): chr2:74,376,756, G>C on the plus strand (C>G on the coding strand, the complement: DCTN1 is on the minus strand). VCF-style: chr2-74376756-G-C. GRCh37 (hg19) VCF-style: chr2-74603883-G-C.
Other names: c.342+676C>G (NM_001190836.2); c.393+676C>G (NM_001135040.3, NM_001190837.2); c.349C>G, p.Leu117Val (NM_001378991.1, NM_001378992.1); short protein forms L117V, L134V.
Identifiers: ClinVar variation 3751758 (VCV003751758.2).

ClinVar aggregate classification (germline): Uncertain significance (1 of 4 stars; one submission).

Conditions:
Amyotrophic lateral sclerosis type 1 (ALS1). Also called: AMYOTROPHIC LATERAL SCLEROSIS 1, FAMILIAL. Identifiers: Orphanet 803, MedGen C1862939, MONDO:0007103, OMIM 105400.
Neuronopathy, distal hereditary motor, type 7B. Also called: HMN VIIB; LOWER MOTOR NEURON DISEASE, DYNACTIN TYPE; NEURONOPATHY, DISTAL HEREDITARY MOTOR, AUTOSOMAL DOMINANT 14; NEURONOPATHY, DISTAL HEREDITARY MOTOR, HARDING TYPE VIIB; NEUROPATHY, DISTAL HEREDITARY MOTOR, HARDING TYPE VIIB; NEUROPATHY, DISTAL HEREDITARY MOTOR, WITH VOCAL CORD PARALYSIS, HARDING TYPE VIIB. Identifiers: Orphanet 139589, MedGen C1843315, MONDO:0011879, OMIM 607641.
Perry syndrome. Also called: PARKINSONISM WITH ALVEOLAR HYPOVENTILATION AND MENTAL DEPRESSION. Identifiers: Orphanet 178509, MedGen C1868594, MONDO:0008201, OMIM 168605.

Submission:

Labcorp Genetics (formerly Invitae), Labcorp
Classification: Uncertain significance for Amyotrophic lateral sclerosis type 1; Neuronopathy, distal hereditary motor, type 7B; Perry syndrome. Last evaluated: 2024-09-24. Review status: criteria provided, single submitter. Criteria: Invitae Variant Classification Sherloc (09022015). Collection method: clinical testing. Allele origin: germline.
Comment: This sequence change replaces leucine, which is neutral and non-polar, with valine, which is neutral and non-polar, at codon 134 of the DCTN1 protein (p.Leu134Val). This variant is not present in population databases (gnomAD no frequency). This variant has not been reported in the literature in individuals affected with DCTN1-related conditions. An algorithm developed to predict the effect of missense changes on protein structure and function (PolyPhen-2) suggests that this variant is likely to be tolerated. In summary, the available evidence is currently insufficient to determine the role of this variant in disease. Therefore, it has been classified as a Variant of Uncertain Significance.